The following is an entry in ClinVar:

NM_001136271.3(NKX2-6):c.187G>A (p.Gly63Ser)

Gene: NKX2-6 (NK2 homeobox 6; minus strand). Cytogenetic location: 8p21.2.
Variant type: single nucleotide variant.
Coding change: c.187G>A on transcript NM_001136271.3 (MANE Select); coding-DNA position 187, G replaced by A.
Protein change: p.Gly63Ser; replaces glycine 63 with serine.
Molecular consequence: missense variant.
Genome position (GRCh38, 1-based): chr8:23,706,412, C>T on the plus strand (G>A on the coding strand, the complement: NKX2-6 is on the minus strand). VCF-style: chr8-23706412-C-T. GRCh37 (hg19) VCF-style: chr8-23563925-C-T.
Other names: short protein forms G63S.
Identifiers: ClinVar variation 4990300 (VCV004990300.1).
Genomic context (GRCh38, chr8:23,706,412, plus strand): 5'-TCTCCAAGACTGCCTCACAGGGACCCCCAGGAGGCTCCGAACCATCCAGCTTTCTGTCAC[C>T]GCCGCCGCCACCAGCGTTGTGAACCTCTGACCCTCGCGGCTCTGCGTCCATTCTCAGGTA-3'
Protein context (NP_001129743.2, residues 53-73): SEVHNAGGGG[Gly63Ser]DRKLDGSEPP

ClinVar aggregate classification (germline): Uncertain significance (1 of 4 stars; one submission).

Conditions:
NKX2-6-related disorder. Also called: NKX2-6-related condition.

gnomAD v4.1: 1 of 1,547,522 alleles (0.000065%); highest among the groups gnomAD compares: Non-Finnish European, 0.000087%; no homozygotes.

Submission:

PreventionGenetics, part of Exact Sciences
Classification: Uncertain significance for NKX2-6-related condition. Last evaluated: 2026-04-30. Review status: criteria provided, single submitter. Criteria: ACMG Guidelines, 2015. Collection method: clinical testing. Allele origin: germline.
Comment: The NKX2-6 c.187G>A variant is predicted to result in the amino acid substitution p.Gly63Ser. To our knowledge, this variant has not been reported in the literature or in a large population database (gnomAD), indicating this variant is rare. At this time, the clinical significance of this variant is uncertain due to the absence of conclusive functional and genetic evidence.